The following is an entry in ClinVar:

NM_152419.3(HGSNAT):c.1614-1G>C

Gene: HGSNAT (heparan-alpha-glucosaminide N-acetyltransferase; plus strand). Cytogenetic location: 8p11.21.
Variant type: single nucleotide variant.
Coding change: c.1614-1G>C on transcript NM_152419.3 (MANE Select); the canonical splice acceptor site of the intron before coding-DNA position 1614, G replaced by C.
Molecular consequence: splice acceptor variant.
Genome position (GRCh38, 1-based): chr8:43,197,839, G>C. VCF-style: chr8-43197839-G-C. GRCh37 (hg19) VCF-style: chr8-43052982-G-C.
Other names: c.1701-1G>C (NM_001363227.2); c.750-1G>C (NM_001363229.2); c.1422-1G>C (NM_001363228.2).
Identifiers: ClinVar variation 2048748 (VCV002048748.4), dbSNP rs2487118434, ClinGen allele CA371120600.

ClinVar aggregate classification (germline): Likely pathogenic (1 of 4 stars; one submission).

Conditions:
Retinitis pigmentosa 73 (RP73). Identifiers: Orphanet 791, MedGen C4225287, MONDO:0014687, OMIM 616544.
Mucopolysaccharidosis, MPS-III-C (MPS3C). Also called: SANFILIPPO SYNDROME C; MPS III C; Mucopolysaccharidosis type IIIC (Sanfilippo C); MUCOPOLYSACCHARIDOSIS, TYPE IIIC; mucopolysaccharidosis type 3C; MPS IIIC (Sanfilippo Syndrome Type C). Identifiers: Orphanet 581, Orphanet 79271, MedGen C0086649, MONDO:0009657, OMIM 252930.

Submission:

Labcorp Genetics (formerly Invitae), Labcorp
Classification: Likely pathogenic for Retinitis pigmentosa 73; Mucopolysaccharidosis, MPS-III-C. Last evaluated: 2024-10-23. Review status: criteria provided, single submitter. Criteria: Invitae Variant Classification Sherloc (09022015). Collection method: clinical testing. Allele origin: germline.
Comment: This sequence change affects an acceptor splice site in intron 16 of the HGSNAT gene. It is expected to disrupt RNA splicing. Variants that disrupt the donor or acceptor splice site typically lead to a loss of protein function (PMID: 16199547), and loss-of-function variants in HGSNAT are known to be pathogenic (PMID: 17033958, 19479962). This variant is not present in population databases (gnomAD no frequency). This variant has not been reported in the literature in individuals affected with HGSNAT-related conditions. ClinVar contains an entry for this variant (Variation ID: 2048748). Algorithms developed to predict the effect of sequence changes on RNA splicing suggest that this variant may disrupt the consensus splice site. In summary, the currently available evidence indicates that the variant is pathogenic, but additional data are needed to prove that conclusively. Therefore, this variant has been classified as Likely Pathogenic.

Literature cited by the submitters: PubMed 16199547; PubMed 17033958; PubMed 19479962.